The following is an entry in ClinVar:

NM_032043.3(BRIP1):c.2637A>G (p.Glu879=)

Gene: BRIP1 (BRCA1 interacting DNA helicase 1; minus strand). Cytogenetic location: 17q23.2.
Variant type: single nucleotide variant.
Coding change: c.2637A>G on transcript NM_032043.3 (MANE Select); coding-DNA position 2637, A replaced by G.
Protein change: p.Glu879=; no amino-acid change (glutamic acid 879 retained).
Molecular consequence: synonymous variant.
Genome position (GRCh38, 1-based): chr17:61,686,104, T>C on the plus strand (A>G on the coding strand, the complement: BRIP1 is on the minus strand). VCF-style: chr17-61686104-T-C. GRCh37 (hg19) VCF-style: chr17-59763465-T-C.
Other names: NP_114432.2:p.Glu879=; p.Glu879=.
Identifiers: ClinVar variation 183703 (VCV000183703.51), dbSNP rs4986765, ClinGen allele CA186177.

ClinVar aggregate classification (germline): Benign/Likely benign. Review status: criteria provided, multiple submitters, no conflicts (2 of 4 stars). 22 submissions from 21 submitters: Benign (15); Likely benign (1). 6 of the submissions do not count toward it. Last evaluated 2026-02-04.

Conditions:
Hereditary cancer-predisposing syndrome. Also called: Tumor predisposition; Neoplastic Syndromes, Hereditary; Hereditary neoplastic syndrome; Hereditary Cancer Syndrome. Identifiers: Orphanet 140162, MedGen C0027672, MeSH D009386, MONDO:0015356.
Ovarian cancer. Also called: OVARIAN CANCER, SOMATIC. Identifiers: Orphanet 213500, MedGen C1140680, MONDO:0008170, OMIM 167000.
Fanconi anemia complementation group J. Also called: BRIP1-Related Fanconi Anemia. Identifiers: Orphanet 84, MedGen C1836860, MONDO:0012187, OMIM 609054.
Familial cancer of breast. Also called: BREAST CANCER, FAMILIAL; hereditary breast carcinoma; Hereditary breast cancer. Identifiers: Orphanet 227535, MedGen C0346153, MONDO:0016419, OMIM 114480. Disease mechanism: loss of function.
Hereditary breast ovarian cancer syndrome. Also called: Hereditary breast and ovarian cancer syndrome; Hereditary breast and ovarian cancer syndrome (HBOC); Hereditary breast and ovarian cancer; Breast and ovarian cancer; BRCA1- and BRCA2-Associated Hereditary Breast and Ovarian Cancer; Hereditary breast and/or ovarian cancer syndrome. Identifiers: Orphanet 145, MedGen C0677776, MeSH D061325, MONDO:0003582. Disease mechanism: loss of function.

Allele frequency attached by ClinVar (database versions not stated): gnomAD exomes 0.68037 and 0.71791; ExAC 0.71879; ESP Exome Variant Server 0.73428; gnomAD 0.74166 and 0.74357; TOPMed 0.77557; 1000 Genomes Project 0.81510; 1000 Genomes Project 30x 0.82105.
gnomAD v4.1: 1,108,498 of 1,613,482 alleles (69%); highest among the groups gnomAD compares: African/African-American, 91%; 386,600 homozygotes.

Submissions (22):

Labcorp Genetics (formerly Invitae), Labcorp
Classification: Benign for Familial cancer of breast; Fanconi anemia complementation group J. Last evaluated: 2026-02-04. Review status: criteria provided, single submitter. Criteria: Invitae Variant Classification Sherloc (09022015). Collection method: clinical testing. Allele origin: germline.

ARUP Laboratories, Molecular Genetics and Genomics, ARUP Laboratories
Classification: Benign. Last evaluated: 2025-07-30. Review status: criteria provided, single submitter. Criteria: ARUP Molecular Germline Variant Investigation Process 2024. Collection method: clinical testing. Allele origin: germline.

GeneKor MSA
Classification: Benign for Hereditary cancer-predisposing syndrome. Last evaluated: 2025-07-10. Review status: criteria provided, single submitter. Criteria: ACMG Guidelines, 2015. Collection method: clinical testing. Allele origin: germline.

Blueprint Genetics
Classification: Likely benign. Last evaluated: 2024-11-28. Review status: criteria provided, single submitter. Criteria: ACMG Guidelines, 2015. Collection method: clinical testing. Allele origin: germline.

KCCC/NGS Laboratory, Kuwait Cancer Control Center
Classification: Benign for Familial cancer of breast. Last evaluated: 2023-07-07. Review status: criteria provided, single submitter. Criteria: ACMG Guidelines, 2015. Collection method: clinical testing. Allele origin: germline. Affected: yes.

Myriad Genetics, Inc.
Classification: Benign for Familial cancer of breast. Last evaluated: 2023-02-28. Review status: criteria provided, single submitter. Criteria: Myriad Autosomal Dominant, Autosomal Recessive and X-Linked Classification Criteria (2023). Collection method: clinical testing. Allele origin: unknown.
Comment: This variant is considered benign. This variant is a silent/synonymous amino acid change and it is not expected to impact splicing.

Mayo Clinic Laboratories, Mayo Clinic
Classification: Benign. Last evaluated: 2022-09-06. Review status: criteria provided, single submitter. Criteria: ACMG Guidelines, 2015. Collection method: clinical testing. Allele origin: germline. Observed: 942 variant alleles.

National Health Laboratory Service, Universitas Academic Hospital and University of the Free State
Classification: Benign for Hereditary breast ovarian cancer syndrome. Last evaluated: 2022-04-19. Review status: criteria provided, single submitter. Criteria: ACMG Guidelines, 2015. Collection method: clinical testing. Allele origin: germline. Affected: yes. Observed: 269 variant alleles.

Fulgent Genetics
Classification: Benign for Familial cancer of breast; Fanconi anemia complementation group J. Last evaluated: 2022-03-23. Review status: criteria provided, single submitter. Criteria: ACMG Guidelines, 2015. Collection method: clinical testing. Allele origin: unknown.

Illumina Laboratory Services, Illumina
Classification: Benign for Fanconi anemia complementation group J. Last evaluated: 2018-01-13. Review status: criteria provided, single submitter. Criteria: ICSL Variant Classification Criteria 13 December 2019. Collection method: clinical testing. Allele origin: germline.
Comment: This variant was observed in the ICSL laboratory as part of a predisposition screen in an ostensibly healthy population. It had not been previously curated by ICSL or reported in the Human Gene Mutation Database (HGMD: prior to June 1st, 2018), and was therefore a candidate for classification through an automated scoring system. Utilizing variant allele frequency, disease prevalence and penetrance estimates, and inheritance mode, an automated score was calculated to assess if this variant is too frequent to cause the disease. Based on the score and internal cut-off values, a variant classified as benign is not then subjected to further curation. The score for this variant resulted in a classification of benign for this disease.

Laboratory for Molecular Medicine, Mass General Brigham Personalized Medicine
Classification: Benign. Last evaluated: 2016-03-29. Review status: criteria provided, single submitter. Criteria: LMM Criteria. Collection method: clinical testing. Allele origin: germline.
Comment: Variant identified in a genome or exome case(s) and assessed due to predicted null impact of the variant or pathogenic assertions in the literature or databases. Disclaimer: This variant has not undergone full assessment. The following are preliminary notes: Frequency

Color Diagnostics, LLC DBA Color Health
Classification: Benign for Hereditary cancer-predisposing syndrome. Last evaluated: 2015-03-31. Review status: criteria provided, single submitter. Criteria: ACMG Guidelines, 2015. Collection method: clinical testing. Allele origin: germline.

GeneDx
Classification: Benign. Last evaluated: 2015-03-03. Review status: criteria provided, single submitter. Criteria: GeneDx Variant Classification Process June 2021. Collection method: clinical testing. Allele origin: germline. Affected: yes.

Ambry Genetics
Classification: Benign for Hereditary cancer-predisposing syndrome. Last evaluated: 2014-11-07. Review status: criteria provided, single submitter. Criteria: Ambry Variant Classification Scheme 2023. Collection method: clinical testing. Allele origin: germline.

Breakthrough Genomics
Classification: Benign. Review status: criteria provided, single submitter. Criteria: ACMG Guidelines, 2015. Collection method: not provided. Allele origin: germline. Inheritance: Autosomal dominant inheritance. Affected: yes.

PreventionGenetics, part of Exact Sciences
Classification: Benign. Review status: criteria provided, single submitter. Criteria: ACMG Guidelines, 2015. Collection method: clinical testing. Allele origin: germline.

Leiden Open Variation Database
Classification: Benign. Last evaluated: 2019-08-13. Review status: no assertion criteria provided. Collection method: curation. Allele origin: germline. Affected: yes. Not counted in ClinVar's aggregate classification.
Comment: Curator: Arleen D. Auerbach. Submitters to LOVD: Maximiliano Zeballos, Yukihide Momozawa.

Counsyl
Classification: Benign for Fanconi anemia complementation group J. Last evaluated: 2016-06-18. Review status: no assertion criteria provided. Collection method: clinical testing. Allele origin: unknown. Not counted in ClinVar's aggregate classification.

Counsyl
Classification: Benign for Ovarian cancer. Last evaluated: 2016-06-18. Review status: no assertion criteria provided. Collection method: clinical testing. Allele origin: unknown. Not counted in ClinVar's aggregate classification.

Clinical Genetics Laboratory, Department of Pathology, Netherlands Cancer Institute
Classification: Benign. Review status: no assertion criteria provided. Collection method: clinical testing. Allele origin: germline. Affected: yes. Study: VKGL Data-share Consensus. Not counted in ClinVar's aggregate classification.

Genome Diagnostics Laboratory, University Medical Center Utrecht
Classification: Benign. Review status: no assertion criteria provided. Collection method: clinical testing. Allele origin: germline. Affected: yes. Study: VKGL Data-share Consensus. Not counted in ClinVar's aggregate classification.

Joint Genome Diagnostic Labs from Nijmegen and Maastricht, Radboudumc and MUMC+
Classification: Benign. Review status: no assertion criteria provided. Collection method: clinical testing. Allele origin: germline. Affected: yes. Study: VKGL Data-share Consensus. Not counted in ClinVar's aggregate classification.

Literature cited by the submitters: PubMed 31214711 (cited by Leiden Open Variation Database).